The following is an entry in ClinVar:

NM_022725.4(FANCF):c.701G>A (p.Ser234Asn)

Gene: FANCF (FA complementation group F; minus strand). Cytogenetic location: 11p14.3.
Variant type: single nucleotide variant.
Coding change: c.701G>A on transcript NM_022725.4 (MANE Select); coding-DNA position 701, G replaced by A.
Protein change: p.Ser234Asn; replaces serine 234 with asparagine.
Molecular consequence: missense variant.
Genome position (GRCh38, 1-based): chr11:22,625,110, C>T on the plus strand (G>A on the coding strand, the complement: FANCF is on the minus strand). VCF-style: chr11-22625110-C-T. GRCh37 (hg19) VCF-style: chr11-22646656-C-T.
Other names: short protein forms S234N.
Identifiers: ClinVar variation 643616 (VCV000643616.6), dbSNP rs373273222, ClinGen allele CA5924272.
Genomic context (GRCh38, chr11:22,625,110, plus strand): 5'-GCGCGACAAAAGGCAGCAAAGACTTCCGAATTCCCCAGAAGCCAGTGGACTAGCACTTGG[C>T]TCCCCTCTCCAGGTGATTTGTGGATGCCGGGTTCCAACTCTTCTTGGGGCCGACGAGACA-3'
Protein context (NP_073562.1, residues 224-244): PGIHKSPGEG[Ser234Asn]QVLVHWLLGN

ClinVar aggregate classification (germline): Uncertain significance. Review status: criteria provided, multiple submitters, no conflicts (2 of 4 stars). 2 submissions from 2 submitters: Uncertain significance (2). Last evaluated 2025-01-08.

Conditions:
Inborn genetic diseases. Identifiers: MedGen C0950123, MeSH D030342.
Fanconi anemia (FA). Also called: Fanconi's anemia. Identifiers: Orphanet 84, MedGen C0015625, MeSH D005199, MONDO:0019391.

Allele frequency attached by ClinVar (database versions not stated): gnomAD exomes 0.00002; TOPMed 0.00002; ExAC 0.00003; ESP Exome Variant Server 0.00008; gnomAD 0.00002.
gnomAD v4.1: 86 of 1,611,132 alleles (0.0053%); highest among the groups gnomAD compares: Non-Finnish European, 0.007%; no homozygotes.

Submissions (2):

Ambry Genetics
Classification: Uncertain significance for Inborn genetic diseases. Last evaluated: 2025-01-08. Review status: criteria provided, single submitter. Criteria: Ambry Variant Classification Scheme 2023. Collection method: clinical testing. Allele origin: germline.

Labcorp Genetics (formerly Invitae), Labcorp
Classification: Uncertain significance for Fanconi anemia. Last evaluated: 2024-11-25. Review status: criteria provided, single submitter. Criteria: Invitae Variant Classification Sherloc (09022015). Collection method: clinical testing. Allele origin: germline.
Comment: This sequence change replaces serine, which is neutral and polar, with asparagine, which is neutral and polar, at codon 234 of the FANCF protein (p.Ser234Asn). This variant is present in population databases (rs373273222, gnomAD 0.007%). This variant has not been reported in the literature in individuals affected with FANCF-related conditions. ClinVar contains an entry for this variant (Variation ID: 643616). Invitae Evidence Modeling of protein sequence and biophysical properties (such as structural, functional, and spatial information, amino acid conservation, physicochemical variation, residue mobility, and thermodynamic stability) indicates that this missense variant is not expected to disrupt FANCF protein function with a negative predictive value of 80%. In summary, the available evidence is currently insufficient to determine the role of this variant in disease. Therefore, it has been classified as a Variant of Uncertain Significance.